The following is an entry in ClinVar:

NC_000012.12:g.114266733C>T

Genes: TBX5 (T-box transcription factor 5; minus strand), LOC109280163 (CRE9 enhancer downstream of TBX5; plus strand). Cytogenetic location: 12q24.21.
Variant type: single nucleotide variant.
Genome position: GRCh38 VCF-style: chr12-114266733-C-T. GRCh37 (hg19) VCF-style: chr12-114704538-C-T.
Identifiers: ClinVar variation 3905071 (VCV003905071.10).

ClinVar aggregate classification (germline): Likely benign (1 of 4 stars; one submission).

Submission:

CeGaT Center for Human Genetics Tuebingen
Classification: Likely benign. Last evaluated: 2026-03-01. Review status: criteria provided, single submitter. Criteria: CeGaT Center For Human Genetics Tuebingen Variant Classification Criteria Version 2. Collection method: clinical testing. Allele origin: germline. Affected: yes. Observed: 3 variant alleles.
Comment: TBX5: BS1